The following is an entry in ClinVar:

ClinVar aggregate classification (germline): Benign (1 of 4 stars; one submission).

Conditions:
Familial adenomatous polyposis 1 (FAP1). Also called: POLYPOSIS, ADENOMATOUS INTESTINAL; FAMILIAL ADENOMATOUS POLYPOSIS 1, ATTENUATED. Identifiers: MedGen C2713442, MONDO:0021056, OMIM 175100. Disease mechanism: loss of function.

Allele frequency attached by ClinVar (database versions not stated): TOPMed 0.00002; ExAC 0.00003; gnomAD 0.00003; ESP Exome Variant Server 0.00015.
gnomAD v4.1: 7 of 1,569,126 alleles (0.00045%); highest among the groups gnomAD compares: African/African-American, 0.0095%; no homozygotes.

Submission:

Myriad Genetics, Inc.
Classification: Benign for Familial adenomatous polyposis 1. Last evaluated: 2024-03-08. Review status: criteria provided, single submitter. Criteria: Myriad Autosomal Dominant, Autosomal Recessive and X-Linked Classification Criteria (2023). Collection method: clinical testing. Allele origin: unknown.
Comment: This variant is considered benign. This variant is intronic and is not expected to impact mRNA splicing.

NM_000038.6(APC):c.1958+29A>C

Gene: APC (APC regulator of Wnt signaling pathway; plus strand). Cytogenetic location: 5q22.2.
Variant type: single nucleotide variant.
Coding change: c.1958+29A>C on transcript NM_000038.6 (MANE Select); 29 bases into the intron after coding-DNA position 1958, A replaced by C.
Molecular consequence: intron variant.
Genome position (GRCh38, 1-based): chr5:112,835,194, A>C. VCF-style: chr5-112835194-A-C. GRCh37 (hg19) VCF-style: chr5-112170891-A-C.
Other names: c.2012+29A>C (NM_001407448.1, NM_001407449.1, NM_001407447.1 and 1 more transcripts); c.1958+29A>C (NM_001407450.1, NM_001127510.3, NM_001354895.2); c.1709+29A>C (NM_001407457.1, NM_001407455.1, NM_001407456.1 and 1 more transcripts); c.1655+29A>C (NM_001407458.1, NM_001407459.1, NM_001407460.1 and 1 more transcripts); c.1781+29A>C (NM_001407453.1, NM_001354901.2); c.1937+29A>C (NM_001407451.1); c.1883+29A>C (NM_001354898.2); c.1109+29A>C (NM_001407470.1, NM_001354906.2); and 11 more.
Identifiers: ClinVar variation 3148026 (VCV003148026.1), dbSNP rs373783930, ClinGen allele CA030126.